The following is an entry in ClinVar:

ClinVar aggregate classification (germline): Conflicting classifications of pathogenicity. Review status: criteria provided, conflicting classifications (1 of 4 stars). 4 submissions from 4 submitters: Likely pathogenic (1); Uncertain significance (3). Last evaluated 2024-02-01.

Conditions:
Congenital myotonia, autosomal recessive form. Also called: BECKER DISEASE; myotonia congenita, autosomal recessive; Becker Generalized Myotonia. Identifiers: Orphanet 614, MedGen C0751360, MONDO:0009715, OMIM 255700.
Congenital myotonia, autosomal dominant form (THD). Also called: THOMSEN DISEASE; Myotonia congenita autosomal dominant. Identifiers: Orphanet 614, MedGen C2936781, MONDO:0008055, OMIM 160800.

Submissions (4):

CeGaT Center for Human Genetics Tuebingen
Classification: Uncertain significance. Last evaluated: 2024-02-01. Review status: criteria provided, single submitter. Criteria: CeGaT Center For Human Genetics Tuebingen Variant Classification Criteria Version 2. Collection method: clinical testing. Allele origin: germline. Affected: yes. Observed: 4 variant alleles.
Comment: CLCN1: PM2, PM3, PP3

Labcorp Genetics (formerly Invitae), Labcorp
Classification: Uncertain significance for Congenital myotonia, autosomal recessive form; Congenital myotonia, autosomal dominant form. Last evaluated: 2022-10-05. Review status: criteria provided, single submitter. Criteria: Invitae Variant Classification Sherloc (09022015). Collection method: clinical testing. Allele origin: germline.
Comment: This sequence change falls in intron 8 of the CLCN1 gene. It does not directly change the encoded amino acid sequence of the CLCN1 protein. It affects a nucleotide within the consensus splice site. This variant is not present in population databases (gnomAD no frequency). This variant has not been reported in the literature in individuals affected with CLCN1-related conditions. ClinVar contains an entry for this variant (Variation ID: 1062239). Variants that disrupt the consensus splice site are a relatively common cause of aberrant splicing (PMID: 17576681, 9536098). Algorithms developed to predict the effect of sequence changes on RNA splicing suggest that this variant may disrupt the consensus splice site. In summary, the available evidence is currently insufficient to determine the role of this variant in disease. Therefore, it has been classified as a Variant of Uncertain Significance.

MGZ Medical Genetics Center
Classification: Uncertain significance for Congenital myotonia, autosomal recessive form. Last evaluated: 2021-11-23. Review status: criteria provided, single submitter. Criteria: ACMG Guidelines, 2015. Collection method: clinical testing. Allele origin: germline. Affected: yes. Observed: 1 variant allele.
Comment: ACMG criteria applied: PM3, PM2_SUP, PP3

Dr. med. U. Finckh, Human Genetics, Eurofins MVZ
Classification: Likely pathogenic for Congenital myotonia, autosomal recessive form. Last evaluated: 2019-11-26. Review status: criteria provided, single submitter. Criteria: ACMG Guidelines, 2015. Collection method: clinical testing. Allele origin: paternal. Affected: yes.
Comment: The variant is predicted to shift the adjacent splice acceptor 2 bp upstream. Both variants, to our knowledge, have not been described in controls or cases, yet.

Literature cited by the submitters: PubMed 17576681 (cited by Labcorp Genetics (formerly Invitae), Labcorp); PubMed 9536098 (cited by Labcorp Genetics (formerly Invitae), Labcorp).

NM_000083.3(CLCN1):c.980-3C>G

Gene: CLCN1 (chloride voltage-gated channel 1; plus strand). Cytogenetic location: 7q34.
Variant type: single nucleotide variant.
Coding change: c.980-3C>G on transcript NM_000083.3 (MANE Select); 3 bases into the intron before coding-DNA position 980, C replaced by G.
Molecular consequence: intron variant.
Genome position (GRCh38, 1-based): chr7:143,331,229, C>G. VCF-style: chr7-143331229-C-G. GRCh37 (hg19) VCF-style: chr7-143028322-C-G.
Identifiers: ClinVar variation 1062239 (VCV001062239.42), dbSNP rs1802714707, ClinGen allele CA2499218772.